The following is an entry in ClinVar:

NM_033026.6(PCLO):c.13802A>G (p.His4601Arg)

Gene: PCLO (piccolo presynaptic cytomatrix protein; minus strand). Cytogenetic location: 7q21.11.
Variant type: single nucleotide variant.
Coding change: c.13802A>G on transcript NM_033026.6 (MANE Select); coding-DNA position 13802, A replaced by G.
Protein change: p.His4601Arg; replaces histidine 4601 with arginine.
Molecular consequence: missense variant.
Genome position (GRCh38, 1-based): chr7:82,846,596, T>C on the plus strand (A>G on the coding strand, the complement: PCLO is on the minus strand). VCF-style: chr7-82846596-T-C. GRCh37 (hg19) VCF-style: chr7-82475912-T-C.
Other names: c.13802A>G, p.His4601Arg (NM_014510.3); c.13802A>G (NM_033026.5); short protein forms H4601R.
Identifiers: ClinVar variation 2189565 (VCV002189565.3), dbSNP rs375384154, ClinGen allele CA4319025.
Genomic context (GRCh38, chr7:82,846,596, plus strand): 5'-TTACAGTTGAAACTAGATTTCTTTTACCTACCAGCTTTTGGTGGCTCATGAAGTTCCAGA[T>C]GCTGGGAATTTTCAGAATCTGATAGCATATTGAGGTCCCTAAAAATTAAAACAAAACATT-3'
Protein context (NP_149015.2, residues 4591-4611): NMLSDSENSQ[His4601Arg]LELHEPPKAV

ClinVar aggregate classification (germline): Uncertain significance. Review status: criteria provided, multiple submitters, no conflicts (2 of 4 stars). 2 submissions from 2 submitters: Uncertain significance (2). Last evaluated 2024-10-01.

Conditions:
Inborn genetic diseases. Identifiers: MedGen C0950123, MeSH D030342.

Allele frequency attached by ClinVar (database versions not stated): TOPMed 0.00005; gnomAD 0.00007; ESP Exome Variant Server 0.00009; gnomAD exomes 0.00010; ExAC 0.00015.
gnomAD v4.1: 152 of 1,608,920 alleles (0.0094%); highest among the groups gnomAD compares: South Asian, 0.077%; no homozygotes.

Submissions (2):

Ambry Genetics
Classification: Uncertain significance for Inborn genetic diseases. Last evaluated: 2024-10-01. Review status: criteria provided, single submitter. Criteria: Ambry Variant Classification Scheme 2023. Collection method: clinical testing. Allele origin: germline.

Labcorp Genetics (formerly Invitae), Labcorp
Classification: Uncertain significance. Last evaluated: 2024-01-21. Review status: criteria provided, single submitter. Criteria: Invitae Variant Classification Sherloc (09022015). Collection method: clinical testing. Allele origin: germline.
Comment: This sequence change replaces histidine, which is basic and polar, with arginine, which is basic and polar, at codon 4601 of the PCLO protein (p.His4601Arg). The frequency data for this variant in the population databases is considered unreliable, as metrics indicate poor data quality at this position in the gnomAD database. This variant has not been reported in the literature in individuals affected with PCLO-related conditions. ClinVar contains an entry for this variant (Variation ID: 2189565). Experimental studies and prediction algorithms are not available or were not evaluated, and the functional significance of this variant is currently unknown. In summary, the available evidence is currently insufficient to determine the role of this variant in disease. Therefore, it has been classified as a Variant of Uncertain Significance.